The following is an entry in ClinVar:

NM_000747.3(CHRNB1):c.198+8C>T

Gene: CHRNB1 (cholinergic receptor nicotinic beta 1 subunit; plus strand). Cytogenetic location: 17p13.1.
Variant type: single nucleotide variant.
Coding change: c.198+8C>T on transcript NM_000747.3 (MANE Select); 8 bases into the intron after coding-DNA position 198, C replaced by T.
Molecular consequence: intron variant.
Genome position (GRCh38, 1-based): chr17:7,445,417, C>T. VCF-style: chr17-7445417-C-T. GRCh37 (hg19) VCF-style: chr17-7348736-C-T.
Identifiers: ClinVar variation 1400627 (VCV001400627.6), dbSNP rs1452929919, ClinGen allele CA497741164.
Genomic context (GRCh38, chr17:7,445,417, plus strand): 5'-GAGACCGTGTCAGGGTCAGCGTTGGTCTCATCCTGGCGCAACTCATCAGCCTGGTGAGGG[C>T]GCGCGGGGGGTGGAGGTCAGGCCAGCCGACCGGCCGGGGGCGTGGCTTTAGGCAAGGCCG-3'

ClinVar aggregate classification (germline): Uncertain significance (1 of 4 stars; one submission).

Conditions:
Congenital myasthenic syndrome 2A. Also called: Myasthenic syndrome, congenital, 2a, slow-channel. Identifiers: Orphanet 590, MedGen C4225374, MONDO:0014581, OMIM 616313.

gnomAD v4.1: 7 of 1,609,742 alleles (0.00043%); highest among the groups gnomAD compares: Non-Finnish European, 0.00059%; no homozygotes.

Submission:

Labcorp Genetics (formerly Invitae), Labcorp
Classification: Uncertain significance for Congenital myasthenic syndrome 2A. Last evaluated: 2022-09-19. Review status: criteria provided, single submitter. Criteria: Invitae Variant Classification Sherloc (09022015). Collection method: clinical testing. Allele origin: germline.
Comment: ClinVar contains an entry for this variant (Variation ID: 1400627). In summary, the available evidence is currently insufficient to determine the role of this variant in disease. Therefore, it has been classified as a Variant of Uncertain Significance. Algorithms developed to predict the effect of sequence changes on RNA splicing suggest that this variant may create or strengthen a splice site. This variant has not been reported in the literature in individuals affected with CHRNB1-related conditions. This variant is not present in population databases (gnomAD no frequency). This sequence change falls in intron 2 of the CHRNB1 gene. It does not directly change the encoded amino acid sequence of the CHRNB1 protein.